The following is an entry in ClinVar:

ClinVar aggregate classification (germline): Benign (1 of 4 stars; one submission).

Allele frequency attached by ClinVar (database versions not stated): 1000 Genomes Project 30x 0.04560; 1000 Genomes Project 0.04712; gnomAD 0.07353 and 0.07527; TOPMed 0.07415.
gnomAD v4.1: 11,260 of 152,214 alleles (7.4%); highest among the groups gnomAD compares: Middle Eastern, 12%; 458 homozygotes.

Submission:

GeneDx
Classification: Benign. Last evaluated: 2018-06-14. Review status: criteria provided, single submitter. Criteria: GeneDx Variant Classification (06012015). Collection method: clinical testing. Allele origin: germline. Affected: yes.
Comment: This variant is considered likely benign or benign based on one or more of the following criteria: it is a conservative change, it occurs at a poorly conserved position in the protein, it is predicted to be benign by multiple in silico algorithms, and/or has population frequency not consistent with disease.

NM_000138.5(FBN1):c.5546-311C>T

Gene: FBN1 (fibrillin 1; minus strand). Cytogenetic location: 15q21.1.
Variant type: single nucleotide variant.
Coding change: c.5546-311C>T on transcript NM_000138.5 (MANE Select); 311 bases into the intron before coding-DNA position 5546, C replaced by T.
Molecular consequence: intron variant.
Genome position (GRCh38, 1-based): chr15:48,449,204, G>A on the plus strand (C>T on the coding strand, the complement: FBN1 is on the minus strand). VCF-style: chr15-48449204-G-A. GRCh37 (hg19) VCF-style: chr15-48741401-G-A.
Identifiers: ClinVar variation 680985 (VCV000680985.1), dbSNP rs79307111, ClinGen allele CA14131401.